The following is an entry in ClinVar:

ClinVar aggregate classification (germline): Uncertain significance (1 of 4 stars; one submission).

Allele frequency attached by ClinVar (database versions not stated): TOPMed below 0.00001; gnomAD 0.00001; gnomAD exomes 0.00001; ExAC 0.00002.
gnomAD v4.1: 10 of 1,601,964 alleles (0.00062%); highest among the groups gnomAD compares: Non-Finnish European, 0.00085%; no homozygotes.

Submission:

GeneDx
Classification: Uncertain significance. Last evaluated: 2022-07-18. Review status: criteria provided, single submitter. Criteria: GeneDx Variant Classification Process June 2021. Collection method: clinical testing. Allele origin: germline. Affected: yes.
Comment: Not observed at significant frequency in large population cohorts (gnomAD); In silico analysis supports that this missense variant does not alter protein structure/function; Has not been previously published as pathogenic or benign to our knowledge

NM_017679.5(BCAS3):c.1638-7765A>G

Gene: BCAS3 (BCAS3 microtubule associated cell migration factor; plus strand). Cytogenetic location: 17q23.2.
Variant type: single nucleotide variant.
Coding change: c.1638-7765A>G on transcript NM_017679.5 (MANE Select); 7765 bases into the intron before coding-DNA position 1638, A replaced by G.
Molecular consequence: intron variant. On other transcripts: missense variant (4).
Genome position (GRCh38, 1-based): chr17:61,026,901, A>G. VCF-style: chr17-61026901-A-G. GRCh37 (hg19) VCF-style: chr17-59104262-A-G.
Other names: c.1673A>G, p.Lys558Arg (NM_001099432.3, NM_001330413.2, NM_001353146.2); c.1763A>G, p.Lys588Arg (NM_001353144.2); c.1728-7765A>G (NM_001353145.2); c.1638-7765A>G (NM_001320470.3, NM_001330414.2); short protein forms K558R, K588R.
Identifiers: ClinVar variation 2136285 (VCV002136285.1), dbSNP rs776304127, ClinGen allele CA8688424.